The following is an entry in ClinVar:

ClinVar aggregate classification (germline): Likely pathogenic (1 of 4 stars; one submission).

Conditions:
Mucopolysaccharidosis, MPS-II (MPS2). Also called: Hunter Syndrome; IDURONATE 2-SULFATASE DEFICIENCY; Mucopolysaccharidosis Type II; Mucopolysaccharidosis type 2; Attenuated MPS (subtype; formerly known as mild MPS II); Severe MPS II. Identifiers: Orphanet 580, Orphanet 79388, MedGen C0026705, MONDO:0010674, OMIM 309900.

Submission:

Laboratory of Diagnosis and Therapy of Lysosomal Disorders, University of Padova
Classification: Likely pathogenic for Mucopolysaccharidosis, MPS-II. Last evaluated: 2024-06-07. Review status: criteria provided, single submitter. Criteria: ACMG Guidelines, 2015. Collection method: literature only. Allele origin: germline. Affected: yes. Observed: 2 variant alleles.
Comment: In vitro or in vivo functional studies supportive of a damaging effect (PS3_Moderate), Absent from controls (or at low frequency) in gnomAD database (PM2_Moderate), Missense variant in a gene with a low rate of benign missense variation (PP2_Supporting), Multiple lines of computational evidence support a deleterious effect (PP3_Supporting), Patient’s phenotype or family history highly specific for the disease (PP4_Moderate)

Classification method: ACMG Guidelines [PMID:25741868] with modifications

Literature cited by the submitters: PubMed 11015461; PubMed 36713083.

NM_000202.8(IDS):c.122T>C (p.Leu41Pro)

Gene: IDS (iduronate 2-sulfatase; minus strand). Cytogenetic location: Xq28.
Variant type: single nucleotide variant.
Coding change: c.122T>C on transcript NM_000202.8 (MANE Select); coding-DNA position 122, T replaced by C.
Protein change: p.Leu41Pro; replaces leucine 41 with proline.
Molecular consequence: missense variant. On other transcripts: 5 prime UTR variant (1), non-coding transcript variant (1).
Genome position (GRCh38, 1-based): chrX:149,504,275, A>G on the plus strand (T>C on the coding strand, the complement: IDS is on the minus strand). VCF-style: chrX-149504275-A-G. GRCh37 (hg19) VCF-style: chrX-148585805-A-G.
Other names: c.-105T>C (NM_001166550.4); c.122T>C, p.Leu41Pro (NM_006123.5); short protein forms L41P.
Identifiers: ClinVar variation 3255804 (VCV003255804.2).